The following is an entry in ClinVar:

ClinVar aggregate classification (germline): Uncertain significance (1 of 4 stars; one submission).

gnomAD v4.1: 66 of 1,603,330 alleles (0.0041%); highest among the groups gnomAD compares: Admixed American, 0.0069%; 1 homozygote.

Submission:

Labcorp Genetics (formerly Invitae), Labcorp
Classification: Uncertain significance. Last evaluated: 2025-10-27. Review status: criteria provided, single submitter. Criteria: Invitae Variant Classification Sherloc (09022015). Collection method: clinical testing. Allele origin: germline.
Comment: This sequence change replaces arginine, which is basic and polar, with glutamine, which is neutral and polar, at codon 453 of the EPS8L2 protein (p.Arg453Gln). This variant is present in population databases (rs371425662, gnomAD 0.01%). This variant has not been reported in the literature in individuals affected with EPS8L2-related conditions. An algorithm developed to predict the effect of missense changes on protein structure and function (PolyPhen-2) suggests that this variant is likely to be tolerated. In summary, the available evidence is currently insufficient to determine the role of this variant in disease. Therefore, it has been classified as a Variant of Uncertain Significance.

NM_022772.4(EPS8L2):c.1358G>A (p.Arg453Gln)

Gene: EPS8L2 (EPS8 signaling adaptor L2; plus strand). Cytogenetic location: 11p15.5.
Variant type: single nucleotide variant.
Coding change: c.1358G>A on transcript NM_022772.4 (MANE Select); coding-DNA position 1358, G replaced by A.
Protein change: p.Arg453Gln; replaces arginine 453 with glutamine.
Molecular consequence: missense variant.
Genome position (GRCh38, 1-based): chr11:723,257, G>A. VCF-style: chr11-723257-G-A. GRCh37 (hg19) VCF-style: chr11-723257-G-A.
Other names: c.1358G>A, p.Arg453Gln (NM_001441192.1, NM_001441193.1); c.821G>A, p.Arg274Gln (NM_001441194.1); short protein forms R274Q, R453Q.
Identifiers: ClinVar variation 4749890 (VCV004749890.1).